The following is an entry in ClinVar:

NM_007194.4(CHEK2):c.179T>G (p.Leu60Arg)

Gene: CHEK2 (checkpoint kinase 2; minus strand). Cytogenetic location: 22q12.1.
Variant type: single nucleotide variant.
Coding change: c.179T>G on transcript NM_007194.4 (MANE Select); coding-DNA position 179, T replaced by G.
Protein change: p.Leu60Arg; replaces leucine 60 with arginine.
Molecular consequence: missense variant.
Genome position (GRCh38, 1-based): chr22:28,734,543, A>C on the plus strand (T>G on the coding strand, the complement: CHEK2 is on the minus strand). VCF-style: chr22-28734543-A-C. GRCh37 (hg19) VCF-style: chr22-29130531-A-C.
Other names: c.179T>G, p.Leu60Arg (NM_001005735.3, NM_001349956.3, NM_145862.3); c.-599T>G (NM_001257387.3); short protein forms L60R.
Identifiers: ClinVar variation 481708 (VCV000481708.7), dbSNP rs1555932393, ClinGen allele CA411090877.

ClinVar aggregate classification (germline): Uncertain significance (1 of 4 stars; one submission).

Conditions:
Hereditary cancer-predisposing syndrome. Also called: Neoplastic Syndromes, Hereditary; Tumor predisposition; Hereditary Cancer Syndrome; Hereditary neoplastic syndrome. Identifiers: Orphanet 140162, MedGen C0027672, MeSH D009386, MONDO:0015356.

Submission:

Ambry Genetics
Classification: Uncertain significance for Hereditary cancer-predisposing syndrome. Last evaluated: 2025-04-06. Review status: criteria provided, single submitter. Criteria: Ambry Variant Classification Scheme 2023. Collection method: clinical testing. Allele origin: germline.
Comment: The p.L60R variant (also known as c.179T>G), located in coding exon 1 of the CHEK2 gene, results from a T to G substitution at nucleotide position 179. The leucine at codon 60 is replaced by arginine, an amino acid with dissimilar properties. This amino acid position is highly conserved in available vertebrate species. In addition, the in silico prediction for this alteration is inconclusive. Since supporting evidence is limited at this time, the clinical significance of this alteration remains unclear.